The following is an entry in ClinVar:

NM_000303.3(PMM2):c.26G>A (p.Cys9Tyr)

Gene: PMM2 (phosphomannomutase 2; plus strand). Cytogenetic location: 16p13.2.
Variant type: single nucleotide variant.
Coding change: c.26G>A on transcript NM_000303.3 (MANE Select); coding-DNA position 26, G replaced by A.
Protein change: p.Cys9Tyr; replaces cysteine 9 with tyrosine.
Molecular consequence: missense variant.
Genome position (GRCh38, 1-based): chr16:8,797,908, G>A. VCF-style: chr16-8797908-G-A. GRCh37 (hg19) VCF-style: chr16-8891765-G-A.
Other names: short protein forms C9Y.
Identifiers: ClinVar variation 7720 (VCV000007720.10), dbSNP rs104894532, ClinGen allele CA254235.

ClinVar aggregate classification (germline): Pathogenic. Review status: criteria provided, multiple submitters, no conflicts (2 of 4 stars). 7 submissions from 7 submitters: Pathogenic (5). 2 of the submissions do not count toward it. Last evaluated 2025-12-17.

Conditions:
PMM2-congenital disorder of glycosylation. Also called: JAEKEN SYNDROME; PHOSPHOMANNOMUTASE 2 DEFICIENCY; CDG Ia; CARBOHYDRATE-DEFICIENT GLYCOPROTEIN SYNDROME, TYPE Ia; Congenital disorder of glycosylation, type Ia; PMM2-CDG. Identifiers: Orphanet 79318, MedGen C0349653, MONDO:0008907, OMIM 212065.

Allele frequency attached by ClinVar (database versions not stated): gnomAD exomes below 0.00001.
gnomAD v4.1: 3 of 1,611,322 alleles (0.00019%); highest among the groups gnomAD compares: Non-Finnish European, 0.00025%; no homozygotes.

Submissions (7):

Natera, Inc.
Classification: Pathogenic for Congenital disorder of glycosylation type 1a. Last evaluated: 2025-12-17. Review status: criteria provided, single submitter. Criteria: Natera Variant Classification Schema (03/2026). Collection method: clinical testing. Allele origin: germline.
Comment: The c.26G>A variant in PMM2 is a missense variant predicted to cause substitution of cysteine to tyrosine at amino acid 9. This variant is rare in the general population with a frequency below the threshold expected for the associated phenotype(s). This variant has been observed in one or more individuals affected with the associated recessive disease, as either homozygous or compound heterozygous with a second variant (PMID: 10922383, 11715002). Given the available evidence, this variant is classified as Pathogenic.

Variantyx, Inc.
Classification: Pathogenic for PMM2-congenital disorder of glycosylation. Last evaluated: 2025-03-11. Review status: criteria provided, single submitter. Criteria: Variantyx Assertion Criteria 2022. Collection method: clinical testing. Allele origin: germline. Affected: yes.
Comment: This is a nonsynonymous variant in the PMM2 gene (OMIM: 601785). Pathogenic variants in this gene have been associated with autosomal recessive congenital disorder of glycosylation type Ia. This variant has been identified in the compound heterozygous state in affected individuals from the published literature (PMID: 11715002, 10922383, 11058896)(PM3_Very_Strong). Functional studies have shown that this variant alters PMM2 protein function (PMID: 11715002, 10922383) (PS3). Multiple computational algorithms predict a deleterious effect for this variant (REVEL score: 0.89) (PP3_Moderate). This variant has a 0.0003% maximum allele frequency in non-founder control populations (PM2_Supporting). Based on the current evidence, this variant is classified as pathogenic for autosomal recessive congenital disorder of glycosylation type Ia.

Labcorp Genetics (formerly Invitae), Labcorp
Classification: Pathogenic for PMM2-congenital disorder of glycosylation. Last evaluated: 2023-07-22. Review status: criteria provided, single submitter. Criteria: Invitae Variant Classification Sherloc (09022015). Collection method: clinical testing. Allele origin: germline.
Comment: For these reasons, this variant has been classified as Pathogenic. This sequence change replaces cysteine, which is neutral and slightly polar, with tyrosine, which is neutral and polar, at codon 9 of the PMM2 protein (p.Cys9Tyr). This variant is present in population databases (rs104894532, gnomAD 0.0009%). This missense change has been observed in individual(s) with congenital disorder of glycosylation type 1a (PMID: 10922383, 11715002). In at least one individual the data is consistent with being in trans (on the opposite chromosome) from a pathogenic variant. ClinVar contains an entry for this variant (Variation ID: 7720). Advanced modeling of protein sequence and biophysical properties (such as structural, functional, and spatial information, amino acid conservation, physicochemical variation, residue mobility, and thermodynamic stability) performed at Invitae indicates that this missense variant is expected to disrupt PMM2 protein function. Experimental studies have shown that this missense change affects PMM2 function (PMID: 10922383, 11715002).

Baylor Genetics
Classification: Pathogenic for PMM2-congenital disorder of glycosylation. Last evaluated: 2022-08-12. Review status: criteria provided, single submitter. Criteria: ACMG Guidelines, 2015. Collection method: clinical testing. Allele origin: unknown.

Women's Health and Genetics/Laboratory Corporation of America, LabCorp
Classification: Pathogenic for Carbohydrate-deficient glycoprotein syndrome type I. Last evaluated: 2018-04-23. Review status: criteria provided, single submitter. Criteria: LabCorp Variant Classification Summary - May 2015. Collection method: clinical testing. Allele origin: germline.
Comment: Variant summary: PMM2 c.26G>A (p.Cys9Tyr) results in a non-conservative amino acid change in the encoded protein sequence. Five of five in-silico tools predict a damaging effect of the variant on protein function. The variant was observed with an allele frequency of 4.2e-06 in 236634 control chromosomes (gnomAD and publications). The variant, c.26G>A, has been reported in the literature in multiple individuals affected with Congenital Disorder of Glycosylation Type 1a (Bjursell_2000, Vuillaumier-Barrot_2000). These data indicate that the variant is very likely to be associated with disease. At least one publication reports experimental evidence evaluating an impact on protein function. The most pronounced variant effect results in 30%-50% of normal activity. No clinical diagnostic laboratories have submitted clinical-significance assessments for this variant to ClinVar after 2014. Based on the evidence outlined above, the variant was classified as pathogenic.

Counsyl
Classification: Likely pathogenic for Carbohydrate-deficient glycoprotein syndrome type I. Last evaluated: 2014-08-27. Review status: no assertion criteria provided. Collection method: literature only. Allele origin: unknown. Inheritance: Autosomal recessive inheritance. Not counted in ClinVar's aggregate classification.

OMIM
Classification: Pathogenic for CONGENITAL DISORDER OF GLYCOSYLATION, TYPE Ia. Last evaluated: 2000-08-01. Review status: no assertion criteria provided. Collection method: literature only. Allele origin: germline. Not counted in ClinVar's aggregate classification.

Literature cited by the submitters: PubMed 10922383 (cited by 5 submitters); PubMed 11715002 (cited by 3 submitters); PubMed 11058896 (cited by Women's Health and Genetics/Laboratory Corporation of America, LabCorp and Counsyl); PubMed 11148191 (cited by Counsyl); PubMed 15844218 (cited by Counsyl); PubMed 11058895 (cited by Counsyl).